The following is an entry in ClinVar:

NM_015294.6(TRIM37):c.2022G>A (p.Met674Ile)

Gene: TRIM37 (tripartite motif containing 37; minus strand). Cytogenetic location: 17q22.
Variant type: single nucleotide variant.
Coding change: c.2022G>A on transcript NM_015294.6 (MANE Select); coding-DNA position 2022, G replaced by A.
Protein change: p.Met674Ile; replaces methionine 674 with isoleucine.
Molecular consequence: missense variant. On other transcripts: non-coding transcript variant (2).
Genome position (GRCh38, 1-based): chr17:59,028,650, C>T on the plus strand (G>A on the coding strand, the complement: TRIM37 is on the minus strand). VCF-style: chr17-59028650-C-T. GRCh37 (hg19) VCF-style: chr17-57106011-C-T.
Other names: c.2022G>A, p.Met674Ile (NM_001005207.5, NM_001320988.3, NM_001320989.3 and 1 more transcripts); c.1920G>A, p.Met640Ile (NM_001320987.3, NM_001353082.2); c.1656G>A, p.Met552Ile (NM_001320990.3); c.1287G>A, p.Met429Ile (NM_001353083.2); c.1560G>A, p.Met520Ile (NM_001353085.2); c.1971G>A, p.Met657Ile (NM_001353086.2); short protein forms M520I, M674I, M429I, M552I, M640I, M657I.
Identifiers: ClinVar variation 1431025 (VCV001431025.6), dbSNP rs200239638, ClinGen allele CA8678149.

ClinVar aggregate classification (germline): Uncertain significance (1 of 4 stars; one submission).

Allele frequency attached by ClinVar (database versions not stated): gnomAD 0.00011 and 0.00012; TOPMed 0.00011; ExAC 0.00012; gnomAD exomes 0.00012 and 0.00013; 1000 Genomes Project 30x 0.00016; 1000 Genomes Project 0.00020.
gnomAD v4.1: 199 of 1,614,172 alleles (0.012%); highest among the groups gnomAD compares: Admixed American, 0.018%; no homozygotes.

Submission:

Labcorp Genetics (formerly Invitae), Labcorp
Classification: Uncertain significance. Last evaluated: 2025-01-13. Review status: criteria provided, single submitter. Criteria: Invitae Variant Classification Sherloc (09022015). Collection method: clinical testing. Allele origin: germline.
Comment: This sequence change replaces methionine, which is neutral and non-polar, with isoleucine, which is neutral and non-polar, at codon 674 of the TRIM37 protein (p.Met674Ile). This variant is present in population databases (rs200239638, gnomAD 0.02%). This variant has not been reported in the literature in individuals affected with TRIM37-related conditions. ClinVar contains an entry for this variant (Variation ID: 1431025). Invitae Evidence Modeling of protein sequence and biophysical properties (such as structural, functional, and spatial information, amino acid conservation, physicochemical variation, residue mobility, and thermodynamic stability) indicates that this missense variant is not expected to disrupt TRIM37 protein function with a negative predictive value of 80%. In summary, the available evidence is currently insufficient to determine the role of this variant in disease. Therefore, it has been classified as a Variant of Uncertain Significance.